The following is an entry in ClinVar:

NM_005360.5(MAF):c.1079G>C (p.Gly360Ala)

Gene: MAF (MAF bZIP transcription factor; minus strand). Cytogenetic location: 16q23.2.
Variant type: single nucleotide variant.
Coding change: c.1079G>C on transcript NM_005360.5 (MANE Select); coding-DNA position 1079, G replaced by C.
Protein change: p.Gly360Ala; replaces glycine 360 with alanine.
Molecular consequence: missense variant.
Genome position (GRCh38, 1-based): chr16:79,598,824, C>G on the plus strand (G>C on the coding strand, the complement: MAF is on the minus strand). VCF-style: chr16-79598824-C-G. GRCh37 (hg19) VCF-style: chr16-79632721-C-G.
Other names: c.1079G>C, p.Gly360Ala (NM_001031804.3); short protein forms G360A.
Identifiers: ClinVar variation 3373014 (VCV003373014.1).

ClinVar aggregate classification (germline): Uncertain significance (1 of 4 stars; one submission).

gnomAD v4.1: 1 of 1,613,866 alleles (0.000062%); highest among the groups gnomAD compares: Non-Finnish European, 0.000085%; no homozygotes.

Submission:

GeneDx
Classification: Uncertain significance. Last evaluated: 2024-04-24. Review status: criteria provided, single submitter. Criteria: GeneDx Variant Classification Process June 2021. Collection method: clinical testing. Allele origin: germline. Affected: yes.
Comment: Not observed at significant frequency in large population cohorts (gnomAD); In silico analysis supports that this missense variant has a deleterious effect on protein structure/function; Has not been previously published as pathogenic or benign to our knowledge